The following is an entry in ClinVar:

NM_001458.5(FLNC):c.4534C>T (p.Pro1512Ser)

Gene: FLNC (filamin C; plus strand). Cytogenetic location: 7q32.1.
Variant type: single nucleotide variant.
Coding change: c.4534C>T on transcript NM_001458.5 (MANE Select); coding-DNA position 4534, C replaced by T.
Protein change: p.Pro1512Ser; replaces proline 1512 with serine.
Molecular consequence: missense variant.
Genome position (GRCh38, 1-based): chr7:128,848,022, C>T. VCF-style: chr7-128848022-C-T. GRCh37 (hg19) VCF-style: chr7-128488076-C-T.
Other names: c.4534C>T, p.Pro1512Ser (NM_001127487.2); short protein forms P1512S.
Identifiers: ClinVar variation 3757131 (VCV003757131.3).

ClinVar aggregate classification (germline): Uncertain significance. Review status: criteria provided, multiple submitters, no conflicts (2 of 4 stars). 2 submissions from 2 submitters: Uncertain significance (2). Last evaluated 2024-07-03.

Conditions:
Distal myopathy with posterior leg and anterior hand involvement. Also called: WILLIAMS DISTAL MYOPATHY. Identifiers: Orphanet 63273, MedGen C3279722, MONDO:0013550, OMIM 614065.
Hypertrophic cardiomyopathy 26. Also called: Cardiomyopathy, familial hypertrophic, 26. Identifiers: Orphanet 75249, MedGen C4310749, MONDO:0014883, OMIM 617047.
Myofibrillar myopathy 5. Also called: Filaminopathy (type); FILAMINOPATHY, AUTOSOMAL DOMINANT. Identifiers: Orphanet 171445, MedGen C1836050, MONDO:0012289, OMIM 609524.

Submissions (2):

Labcorp Genetics (formerly Invitae), Labcorp
Classification: Uncertain significance for Distal myopathy with posterior leg and anterior hand involvement; Myofibrillar myopathy 5; Hypertrophic cardiomyopathy 26. Last evaluated: 2024-07-03. Review status: criteria provided, single submitter. Criteria: Invitae Variant Classification Sherloc (09022015). Collection method: clinical testing. Allele origin: germline.
Comment: This sequence change replaces proline, which is neutral and non-polar, with serine, which is neutral and polar, at codon 1512 of the FLNC protein (p.Pro1512Ser). This variant is not present in population databases (gnomAD no frequency). This variant has not been reported in the literature in individuals affected with FLNC-related conditions. Advanced modeling of protein sequence and biophysical properties (such as structural, functional, and spatial information, amino acid conservation, physicochemical variation, residue mobility, and thermodynamic stability) has been performed at Invitae for this missense variant, however the output from this modeling did not meet the statistical confidence thresholds required to predict the impact of this variant on FLNC protein function. In summary, the available evidence is currently insufficient to determine the role of this variant in disease. Therefore, it has been classified as a Variant of Uncertain Significance.

Revvity Omics, Revvity
Classification: Uncertain significance. Last evaluated: 2023-08-17. Review status: criteria provided, single submitter. Criteria: ACMG Guidelines, 2015. Collection method: clinical testing. Allele origin: germline.